The following is an entry in ClinVar:

ClinVar aggregate classification (germline): Conflicting classifications of pathogenicity. Review status: criteria provided, conflicting classifications (1 of 4 stars). 2 submissions from 2 submitters: Uncertain significance (1); Likely benign (1). Last evaluated 2026-07-15.

Conditions:
Hereditary cancer-predisposing syndrome. Also called: Neoplastic Syndromes, Hereditary; Hereditary Cancer Syndrome; Tumor predisposition; Hereditary neoplastic syndrome. Identifiers: Orphanet 140162, MedGen C0027672, MeSH D009386, MONDO:0015356.
Multiple endocrine neoplasia, type 1 (MEN1). Also called: MEN I; WERMER SYNDROME; Endocrine adenomatosis multiple; MEN 1; MEA I. Identifiers: Orphanet 652, MedGen C0025267, MeSH D018761, MONDO:0007540, OMIM 131100.

Allele frequency attached by ClinVar (database versions not stated): gnomAD exomes 0.00001; gnomAD 0.00001; TOPMed below 0.00001.
gnomAD v4.1: 7 of 1,613,932 alleles (0.00043%); highest among the groups gnomAD compares: Non-Finnish European, 0.00059%; no homozygotes.

Submissions (2):

Ambry Genetics
Classification: Uncertain significance for Hereditary cancer-predisposing syndrome. Last evaluated: 2026-07-15. Review status: criteria provided, single submitter. Criteria: Ambry Variant Classification Scheme 2023. Collection method: clinical testing. Allele origin: germline.
Comment: The p.C409Y variant (also known as c.1226G>A), located in coding exon 8 of the MEN1 gene, results from a G to A substitution at nucleotide position 1226. The cysteine at codon 409 is replaced by tyrosine, an amino acid with highly dissimilar properties. This amino acid position is well conserved in available vertebrate species. In addition, this alteration is predicted to be deleterious by in silico analysis. Since supporting evidence is limited at this time, the clinical significance of this alteration remains unclear.

Labcorp Genetics (formerly Invitae), Labcorp
Classification: Likely benign for Multiple endocrine neoplasia, type 1. Last evaluated: 2025-09-16. Review status: criteria provided, single submitter. Criteria: Invitae Variant Classification Sherloc (09022015). Collection method: clinical testing. Allele origin: germline.

NM_001370259.2(MEN1):c.1226G>A (p.Cys409Tyr)

Gene: MEN1 (menin 1; minus strand). Cytogenetic location: 11q13.1.
Variant type: single nucleotide variant.
Coding change: c.1226G>A on transcript NM_001370259.2 (MANE Select); coding-DNA position 1226, G replaced by A.
Protein change: p.Cys409Tyr; replaces cysteine 409 with tyrosine.
Molecular consequence: missense variant.
Genome position (GRCh38, 1-based): chr11:64,805,158, C>T on the plus strand (G>A on the coding strand, the complement: MEN1 is on the minus strand). VCF-style: chr11-64805158-C-T. GRCh37 (hg19) VCF-style: chr11-64572630-C-T.
Other names: c.1241G>A, p.Cys414Tyr (NM_000244.4, NM_130800.3, NM_130801.3 and 3 more transcripts); c.1352G>A, p.Cys451Tyr (NM_001370251.2); c.1226G>A, p.Cys409Tyr (NM_001370260.2, NM_001370261.2, NM_130799.3); c.1121G>A, p.Cys374Tyr (NM_001370262.2, NM_001370263.2); short protein forms C409Y, C414Y, C451Y, C374Y.
Identifiers: ClinVar variation 403835 (VCV000403835.16), dbSNP rs1060499988, ClinGen allele CA16613671.